The following is an entry in ClinVar:

ClinVar aggregate classification (germline): Uncertain significance (1 of 4 stars; one submission).

Allele frequency attached by ClinVar (database versions not stated): gnomAD exomes below 0.00001 and 0.00001; TOPMed below 0.00001.
gnomAD v4.1: 22 of 1,613,530 alleles (0.0014%); highest among the groups gnomAD compares: Non-Finnish European, 0.0017%; no homozygotes.

Submission:

Labcorp Genetics (formerly Invitae), Labcorp
Classification: Uncertain significance. Last evaluated: 2022-03-02. Review status: criteria provided, single submitter. Criteria: Invitae Variant Classification Sherloc (09022015). Collection method: clinical testing. Allele origin: germline.
Comment: In summary, the available evidence is currently insufficient to determine the role of this variant in disease. Therefore, it has been classified as a Variant of Uncertain Significance. Algorithms developed to predict the effect of sequence changes on RNA splicing suggest that this variant may create or strengthen a splice site. Algorithms developed to predict the effect of missense changes on protein structure and function (SIFT, PolyPhen-2, Align-GVGD) all suggest that this variant is likely to be disruptive. This variant has not been reported in the literature in individuals affected with MYH7B-related conditions. This variant is present in population databases (no rsID available, gnomAD 0.0009%). This sequence change replaces arginine, which is basic and polar, with tryptophan, which is neutral and slightly polar, at codon 1798 of the MYH7B protein (p.Arg1798Trp).

NM_020884.7(MYH7B):c.5266C>T (p.Arg1756Trp)

Gene: MYH7B (myosin heavy chain 7B; plus strand). Cytogenetic location: 20q11.22.
Variant type: single nucleotide variant.
Coding change: c.5266C>T on transcript NM_020884.7 (MANE Select); coding-DNA position 5266, C replaced by T.
Protein change: p.Arg1756Trp; replaces arginine 1756 with tryptophan.
Molecular consequence: missense variant.
Genome position (GRCh38, 1-based): chr20:35,000,855, C>T. VCF-style: chr20-35000855-C-T. GRCh37 (hg19) VCF-style: chr20-33588658-C-T.
Other names: short protein forms R1756W.
Identifiers: ClinVar variation 1515672 (VCV001515672.8), dbSNP rs1216216330, ClinGen allele CA408718737.